The following is an entry in ClinVar:

NM_052813.5(CARD9):c.1526G>A (p.Arg509Lys)

Gene: CARD9 (caspase recruitment domain family member 9; minus strand). Cytogenetic location: 9q34.3.
Variant type: single nucleotide variant.
Coding change: c.1526G>A on transcript NM_052813.5 (MANE Select); coding-DNA position 1526, G replaced by A.
Protein change: p.Arg509Lys; replaces arginine 509 with lysine.
Molecular consequence: missense variant. On other transcripts: intron variant (1).
Genome position (GRCh38, 1-based): chr9:136,364,387, C>T on the plus strand (G>A on the coding strand, the complement: CARD9 is on the minus strand). VCF-style: chr9-136364387-C-T. GRCh37 (hg19) VCF-style: chr9-139258839-C-T.
Other names: c.1441+166G>A (NM_052814.4); short protein forms R509K.
Identifiers: ClinVar variation 1936440 (VCV001936440.2), dbSNP rs766920744, ClinGen allele CA5332589.

ClinVar aggregate classification (germline): Uncertain significance (1 of 4 stars; one submission).

Conditions:
Predisposition to invasive fungal disease due to CARD9 deficiency (IMD103). Also called: CARD9 IMMUNODEFICIENCY; IMMUNODEFICIENCY 103, SUSCEPTIBILITY TO FUNGAL INFECTIONS; Candidiasis, familial, 2, autosomal recessive. Identifiers: Orphanet 457088, MedGen C1859353, MONDO:0008905, OMIM 212050.

Allele frequency attached by ClinVar (database versions not stated): gnomAD exomes 0.00001; TOPMed 0.00001; ExAC 0.00004.
gnomAD v4.1: 18 of 1,559,066 alleles (0.0012%); highest among the groups gnomAD compares: Middle Eastern, 0.033%; no homozygotes.

Submission:

Labcorp Genetics (formerly Invitae), Labcorp
Classification: Uncertain significance for Predisposition to invasive fungal disease due to CARD9 deficiency. Last evaluated: 2022-06-17. Review status: criteria provided, single submitter. Criteria: Invitae Variant Classification Sherloc (09022015). Collection method: clinical testing. Allele origin: germline.
Comment: This sequence change replaces arginine, which is basic and polar, with lysine, which is basic and polar, at codon 509 of the CARD9 protein (p.Arg509Lys). This variant is present in population databases (rs766920744, gnomAD 0.05%). This missense change has been observed in individual(s) with CARD9 deficiency (PMID: 33872781). Algorithms developed to predict the effect of missense changes on protein structure and function (SIFT, PolyPhen-2, Align-GVGD) all suggest that this variant is likely to be tolerated. Algorithms developed to predict the effect of sequence changes on RNA splicing suggest that this variant may disrupt the consensus splice site. In summary, the available evidence is currently insufficient to determine the role of this variant in disease. Therefore, it has been classified as a Variant of Uncertain Significance.

Literature cited by the submitters: PubMed 33872781.